The following is an entry in ClinVar:

NM_001848.3(COL6A1):c.2163C>A (p.Asn721Lys)

Gene: COL6A1 (collagen type VI alpha 1 chain; plus strand). Cytogenetic location: 21q22.3.
Variant type: single nucleotide variant.
Coding change: c.2163C>A on transcript NM_001848.3 (MANE Select); coding-DNA position 2163, C replaced by A.
Protein change: p.Asn721Lys; replaces asparagine 721 with lysine.
Molecular consequence: missense variant.
Genome position (GRCh38, 1-based): chr21:46,002,314, C>A. VCF-style: chr21-46002314-C-A. GRCh37 (hg19) VCF-style: chr21-47422228-C-A.
Other names: short protein forms N721K.
Identifiers: ClinVar variation 2765199 (VCV002765199.3), dbSNP rs2077851507, ClinGen allele CA410535483.

ClinVar aggregate classification (germline): Uncertain significance (1 of 4 stars; one submission).

Conditions:
Bethlem myopathy 1A. Also called: Bethlem myopathy 1; Bethlem Muscular Dystrophy; MYOPATHY, BENIGN CONGENITAL, WITH CONTRACTURES. Identifiers: Orphanet 610, MedGen CN029274, MONDO:0024530, OMIM 158810.

Submission:

Labcorp Genetics (formerly Invitae), Labcorp
Classification: Uncertain significance for Bethlem myopathy 1A. Last evaluated: 2023-10-04. Review status: criteria provided, single submitter. Criteria: Invitae Variant Classification Sherloc (09022015). Collection method: clinical testing. Allele origin: germline.
Comment: This sequence change replaces asparagine, which is neutral and polar, with lysine, which is basic and polar, at codon 721 of the COL6A1 protein (p.Asn721Lys). This variant is not present in population databases (gnomAD no frequency). This variant has not been reported in the literature in individuals affected with COL6A1-related conditions. Advanced modeling of protein sequence and biophysical properties (such as structural, functional, and spatial information, amino acid conservation, physicochemical variation, residue mobility, and thermodynamic stability) performed at Invitae indicates that this missense variant is not expected to disrupt COL6A1 protein function. In summary, the available evidence is currently insufficient to determine the role of this variant in disease. Therefore, it has been classified as a Variant of Uncertain Significance.